The following is an entry in ClinVar:

ClinVar aggregate classification (germline): Conflicting classifications of pathogenicity. Review status: criteria provided, conflicting classifications (1 of 4 stars). 6 submissions from 4 submitters: Uncertain significance (3); Likely benign (2). 1 of the submissions does not count toward it. Last evaluated 2024-03-26.

Conditions:
BCS1L-related disorder. Also called: BCS1L-related disorders; BCS1L-related condition. Identifiers: MedGen CN239240.
GRACILE syndrome (FLNMS). Also called: FELLMAN SYNDROME; FINNISH LETHAL NEONATAL METABOLIC SYNDROME. Identifiers: Orphanet 53693, MedGen C1864002, MONDO:0011308, OMIM 603358.
Leigh syndrome (NULS). Also called: Leigh's syndrome; Leigh Disease; Subacute necrotizing encephalopathy; Necrotizing encephalopathy infantile subacute of Leigh; LEIGH SYNDROME, NUCLEAR; Leigh Syndrome (mtDNA deletion). Identifiers: Orphanet 506, MedGen C2931891, MONDO:0009723, OMIM 256000.
Mitochondrial complex III deficiency nuclear type 1. Identifiers: Orphanet 254902, MedGen C3541471, MONDO:0007415, OMIM 124000.

Allele frequency attached by ClinVar (database versions not stated): ExAC 0.00002; TOPMed 0.00003; gnomAD exomes 0.00004; gnomAD 0.00005.
gnomAD v4.1: 53 of 1,614,124 alleles (0.0033%); highest among the groups gnomAD compares: Non-Finnish European, 0.0042%; no homozygotes.

Submissions (6):

Labcorp Genetics (formerly Invitae), Labcorp
Classification: Likely benign. Last evaluated: 2024-03-26. Review status: criteria provided, single submitter. Criteria: Invitae Variant Classification Sherloc (09022015). Collection method: clinical testing. Allele origin: germline.

Illumina Laboratory Services, Illumina
Classification: Uncertain significance for GRACILE syndrome. Last evaluated: 2018-01-13. Review status: criteria provided, single submitter. Criteria: ICSL Variant Classification Criteria 13 December 2019. Collection method: clinical testing. Allele origin: germline.

Illumina Laboratory Services, Illumina
Classification: Uncertain significance for Mitochondrial complex III deficiency nuclear type 1. Last evaluated: 2018-01-13. Review status: criteria provided, single submitter. Criteria: ICSL Variant Classification Criteria 13 December 2019. Collection method: clinical testing. Allele origin: germline.

Illumina Laboratory Services, Illumina
Classification: Uncertain significance for Leigh syndrome. Last evaluated: 2018-01-13. Review status: criteria provided, single submitter. Criteria: ICSL Variant Classification Criteria 13 December 2019. Collection method: clinical testing. Allele origin: germline.

GeneDx
Classification: Likely benign. Last evaluated: 2015-10-16. Review status: criteria provided, single submitter. Criteria: GeneDx Variant Classification (06012015). Collection method: clinical testing. Allele origin: germline. Affected: yes.
Comment: This variant is considered likely benign or benign based on one or more of the following criteria: it is a conservative change, it occurs at a poorly conserved position in the protein, it is predicted to be benign by multiple in silico algorithms, and/or has population frequency not consistent with disease.

PreventionGenetics, part of Exact Sciences
Classification: Likely benign for BCS1L-related condition. Last evaluated: 2019-12-13. Review status: no assertion criteria provided. Collection method: clinical testing. Allele origin: germline. Not counted in ClinVar's aggregate classification.
Comment: This variant is classified as likely benign based on ACMG/AMP sequence variant interpretation guidelines (Richards et al. 2015 PMID: 25741868, with internal and published modifications).

NM_001079866.2(BCS1L):c.171C>T (p.Asp57=)

Gene: BCS1L (BCS1 ubiquinol-cytochrome c reductase complex chaperone; plus strand). Cytogenetic location: 2q35.
Variant type: single nucleotide variant.
Coding change: c.171C>T on transcript NM_001079866.2 (MANE Select); coding-DNA position 171, C replaced by T.
Protein change: p.Asp57=; no amino-acid change (aspartic acid 57 retained).
Molecular consequence: synonymous variant. On other transcripts: 5 prime UTR variant (5), non-coding transcript variant (1), intron variant (3).
Genome position (GRCh38, 1-based): chr2:218,661,158, C>T. VCF-style: chr2-218661158-C-T. GRCh37 (hg19) VCF-style: chr2-219525881-C-T.
Other names: c.171C>T, p.Asp57= (NM_001257342.2, NM_001257343.2, NM_001257344.2 and 10 more transcripts); c.-306C>T (NM_001371453.1, NM_001371454.1, NM_001371455.1 and 2 more transcripts); c.-40-248C>T (NM_001371451.1, NM_001318836.2); c.-41-601C>T (NM_001371452.1).
Identifiers: ClinVar variation 380986 (VCV000380986.15), dbSNP rs756932413, ClinGen allele CA2109614.